The following is an entry in ClinVar:

ClinVar aggregate classification (germline): Uncertain significance (1 of 4 stars; one submission).

Conditions:
Generalized epilepsy with febrile seizures plus, type 7 (GEFSP7). Also called: GEFS+, TYPE 7. Identifiers: Orphanet 36387, MedGen C2751778, MONDO:0013470, OMIM 613863.
Neuropathy, hereditary sensory and autonomic, type 2A (HSAN2A). Also called: HSAN IIA; ACROOSTEOLYSIS, GIACCAI TYPE; ACROOSTEOLYSIS, NEUROGENIC; NEUROPATHY, CONGENITAL SENSORY; NEUROPATHY, HEREDITARY SENSORY RADICULAR, AUTOSOMAL RECESSIVE; NEUROPATHY, HEREDITARY SENSORY, TYPE IIA. Identifiers: Orphanet 970, MedGen C2752089, MONDO:0024309, OMIM 201300.

Allele frequency attached by ClinVar (database versions not stated): gnomAD exomes below 0.00001; ExAC 0.00001.
gnomAD v4.1: 1 of 1,613,560 alleles (0.000062%); highest among the groups gnomAD compares: Admixed American, 0.0017%; no homozygotes.

Submission:

Labcorp Genetics (formerly Invitae), Labcorp
Classification: Uncertain significance for Neuropathy, hereditary sensory and autonomic, type 2A; Generalized epilepsy with febrile seizures plus, type 7. Last evaluated: 2024-04-01. Review status: criteria provided, single submitter. Criteria: Invitae Variant Classification Sherloc (09022015). Collection method: clinical testing. Allele origin: germline.
Comment: This sequence change replaces lysine, which is basic and polar, with glutamine, which is neutral and polar, at codon 1047 of the SCN9A protein (p.Lys1047Gln). This variant is present in population databases (rs760988853, gnomAD 0.003%). This variant has not been reported in the literature in individuals affected with SCN9A-related conditions. ClinVar contains an entry for this variant (Variation ID: 1433623). Advanced modeling of protein sequence and biophysical properties (such as structural, functional, and spatial information, amino acid conservation, physicochemical variation, residue mobility, and thermodynamic stability) performed at Invitae indicates that this missense variant is not expected to disrupt SCN9A protein function with a negative predictive value of 95%. In summary, the available evidence is currently insufficient to determine the role of this variant in disease. Therefore, it has been classified as a Variant of Uncertain Significance.

NM_001365536.1(SCN9A):c.3172A>C (p.Lys1058Gln)

Genes: SCN9A (sodium voltage-gated channel alpha subunit 9; minus strand), SCN1A-AS1 (SCN1A and SCN9A antisense RNA 1; plus strand). Cytogenetic location: 2q24.3.
Variant type: single nucleotide variant.
Coding change: c.3172A>C on transcript NM_001365536.1 (MANE Select); coding-DNA position 3172, A replaced by C.
Protein change: p.Lys1058Gln; replaces lysine 1058 with glutamine.
Molecular consequence: missense variant.
Genome position (GRCh38, 1-based): chr2:166,272,578, T>G on the plus strand (A>C on the coding strand, the complement: SCN9A is on the minus strand). VCF-style: chr2-166272578-T-G. GRCh37 (hg19) VCF-style: chr2-167129088-T-G.
Other names: c.3139A>C, p.Lys1047Gln (NM_002977.4); short protein forms K1058Q, K1047Q.
Identifiers: ClinVar variation 1433623 (VCV001433623.6), dbSNP rs760988853, ClinGen allele CA1944128.